The following is an entry in ClinVar:

ClinVar aggregate classification (germline): Uncertain significance. Review status: criteria provided, multiple submitters, no conflicts (2 of 4 stars). 2 submissions from 2 submitters: Uncertain significance (2). Last evaluated 2025-03-12.

Conditions:
Zellweger spectrum disorders (ZS). Also called: Zellweger Spectrum Disorder; Zellweger Spectrum; Zellweger syndrome; Zellweger Spectrum Disorder (ZSD). Identifiers: Orphanet 912, MedGen C0043459, MONDO:0019609.
PEX1-related disorder. Also called: PEX1-related condition.

Allele frequency attached by ClinVar (database versions not stated): gnomAD exomes below 0.00001; ExAC 0.00001.
gnomAD v4.1: 1 of 1,587,624 alleles (0.000063%); no homozygotes.

Submissions (2):

PreventionGenetics, part of Exact Sciences
Classification: Uncertain significance for PEX1-related condition. Last evaluated: 2025-03-12. Review status: criteria provided, single submitter. Criteria: ACMG Guidelines, 2015. Collection method: clinical testing. Allele origin: germline.
Comment: The PEX1 c.3832C>A variant is predicted to result in the amino acid substitution p.Gln1278Lys. To our knowledge, this variant has not been reported in the literature. This variant is reported in 0.00089% of alleles in individuals of European (Non-Finnish) descent in gnomAD. At this time, the clinical significance of this variant is uncertain due to the absence of conclusive functional and genetic evidence.

Labcorp Genetics (formerly Invitae), Labcorp
Classification: Uncertain significance for Zellweger spectrum disorders. Last evaluated: 2023-10-11. Review status: criteria provided, single submitter. Criteria: Invitae Variant Classification Sherloc (09022015). Collection method: clinical testing. Allele origin: germline.
Comment: This sequence change replaces glutamine, which is neutral and polar, with lysine, which is basic and polar, at codon 1278 of the PEX1 protein (p.Gln1278Lys). This variant is present in population databases (rs750722718, gnomAD 0.0009%). This missense change has been observed in individual(s) with clinical features of PEX1-related disease (Invitae). In at least one individual the data is consistent with being in trans (on the opposite chromosome) from a pathogenic variant. ClinVar contains an entry for this variant (Variation ID: 568356). Advanced modeling of protein sequence and biophysical properties (such as structural, functional, and spatial information, amino acid conservation, physicochemical variation, residue mobility, and thermodynamic stability) has been performed at Invitae for this missense variant, however the output from this modeling did not meet the statistical confidence thresholds required to predict the impact of this variant on PEX1 protein function. In summary, the available evidence is currently insufficient to determine the role of this variant in disease. Therefore, it has been classified as a Variant of Uncertain Significance.

NM_000466.3(PEX1):c.3832C>A (p.Gln1278Lys)

Genes: GATAD1 (GATA zinc finger domain containing 1; plus strand), PEX1 (peroxisomal biogenesis factor 1; minus strand). Cytogenetic location: 7q21.2.
Variant type: single nucleotide variant.
Coding change: c.3832C>A on transcript NM_000466.3 (MANE Select); coding-DNA position 3832, C replaced by A.
Protein change: p.Gln1278Lys; replaces glutamine 1278 with lysine.
Molecular consequence: missense variant.
Genome position (GRCh38, 1-based): chr7:92,487,477, G>T on the plus strand (C>A on the coding strand, the complement: PEX1 is on the minus strand). VCF-style: chr7-92487477-G-T. GRCh37 (hg19) VCF-style: chr7-92116791-G-T.
Other names: c.3661C>A, p.Gln1221Lys (NM_001282677.2); c.3208C>A, p.Gln1070Lys (NM_001282678.2); short protein forms Q1278K, Q1070K, Q1221K.
Identifiers: ClinVar variation 568356 (VCV000568356.11), dbSNP rs750722718, ClinGen allele CA4340714.